The following is an entry in ClinVar:

NM_006876.3(B4GAT1):c.478C>G (p.Pro160Ala)

Gene: B4GAT1 (beta-1,4-glucuronyltransferase 1; minus strand). Cytogenetic location: 11q13.2.
Variant type: single nucleotide variant.
Coding change: c.478C>G on transcript NM_006876.3 (MANE Select); coding-DNA position 478, C replaced by G.
Protein change: p.Pro160Ala; replaces proline 160 with alanine.
Molecular consequence: missense variant.
Genome position (GRCh38, 1-based): chr11:66,347,068, G>C on the plus strand (C>G on the coding strand, the complement: B4GAT1 is on the minus strand). VCF-style: chr11-66347068-G-C. GRCh37 (hg19) VCF-style: chr11-66114539-G-C.
Other names: short protein forms P160A.
Identifiers: ClinVar variation 1350891 (VCV001350891.3), dbSNP rs1188034363, ClinGen allele CA381418302.

ClinVar aggregate classification (germline): Uncertain significance (1 of 4 stars; one submission).

Conditions:
Muscular dystrophy-dystroglycanopathy (congenital with brain and eye anomalies), type A13. Also called: WALKER-WARBURG SYNDROME OR MUSCLE-EYE-BRAIN DISEASE, B3GNT1-RELATED; Muscular dystrophy-dystroglycanopathy (congenital with brain and eye anomalies), type a, 13. Identifiers: Orphanet 899, MedGen C3809042, MONDO:0014120, OMIM 615287.

Allele frequency attached by ClinVar (database versions not stated): gnomAD exomes below 0.00001; gnomAD 0.00001; TOPMed 0.00002.

Submission:

Labcorp Genetics (formerly Invitae), Labcorp
Classification: Uncertain significance for Muscular dystrophy-dystroglycanopathy (congenital with brain and eye anomalies), type A13. Last evaluated: 2021-08-17. Review status: criteria provided, single submitter. Criteria: Invitae Variant Classification Sherloc (09022015). Collection method: clinical testing. Allele origin: germline.
Comment: This sequence change replaces proline with alanine at codon 160 of the B4GAT1 protein (p.Pro160Ala). The proline residue is moderately conserved and there is a small physicochemical difference between proline and alanine. This variant is not present in population databases (ExAC no frequency). This variant has not been reported in the literature in individuals affected with B4GAT1-related conditions. Algorithms developed to predict the effect of missense changes on protein structure and function are either unavailable or do not agree on the potential impact of this missense change (SIFT: "Tolerated"; PolyPhen-2: "Probably Damaging"; Align-GVGD: "Class C0"). In summary, the available evidence is currently insufficient to determine the role of this variant in disease. Therefore, it has been classified as a Variant of Uncertain Significance.